The following is an entry in ClinVar:

NM_000497.4(CYP11B1):c.289G>A (p.Val97Met)

Gene: CYP11B1 (cytochrome P450 family 11 subfamily B member 1; minus strand). Cytogenetic location: 8q24.3.
Variant type: single nucleotide variant.
Coding change: c.289G>A on transcript NM_000497.4 (MANE Select); coding-DNA position 289, G replaced by A.
Protein change: p.Val97Met; replaces valine 97 with methionine.
Molecular consequence: missense variant.
Genome position (GRCh38, 1-based): chr8:142,879,138, C>T on the plus strand (G>A on the coding strand, the complement: CYP11B1 is on the minus strand). VCF-style: chr8-142879138-C-T. GRCh37 (hg19) VCF-style: chr8-143960554-C-T.
Other names: c.289G>A, p.Val97Met (NM_001026213.1); short protein forms V97M.
Identifiers: ClinVar variation 3672037 (VCV003672037.4).

ClinVar aggregate classification (germline): Uncertain significance. Review status: criteria provided, multiple submitters, no conflicts (2 of 4 stars). 2 submissions from 2 submitters: Uncertain significance (2). Last evaluated 2025-10-31.

gnomAD v4.1: 28 of 1,614,016 alleles (0.0017%); highest among the groups gnomAD compares: East Asian, 0.025%; no homozygotes.

Submissions (2):

Dasa
Classification: Uncertain significance. Last evaluated: 2025-10-31. Review status: criteria provided, single submitter. Criteria: DASA Assertion Criteria. Collection method: clinical testing. Allele origin: germline.
Comment: NM_000497.4(CYP11B1):c.289G>A (p.Val97Met) is a missense variant that results in the substitution of valine with methionine. The affected residue or protein region has prior evidence supporting clinical relevance. This variant is rare in population databases. The currently available literature and clinical evidence are not sufficient to establish a definitive association between this variant and the reported condition. Therefore, this variant is classified as a variant of uncertain significance.

Labcorp Genetics (formerly Invitae), Labcorp
Classification: Uncertain significance. Last evaluated: 2024-09-01. Review status: criteria provided, single submitter. Criteria: Invitae Variant Classification Sherloc (09022015). Collection method: clinical testing. Allele origin: germline.
Comment: This sequence change replaces valine, which is neutral and non-polar, with methionine, which is neutral and non-polar, at codon 97 of the CYP11B1 protein (p.Val97Met). This variant is present in population databases (rs200867786, gnomAD 0.003%). This variant has not been reported in the literature in individuals affected with CYP11B1-related conditions. Invitae Evidence Modeling of protein sequence and biophysical properties (such as structural, functional, and spatial information, amino acid conservation, physicochemical variation, residue mobility, and thermodynamic stability) indicates that this missense variant is not expected to disrupt CYP11B1 protein function with a negative predictive value of 95%. In summary, the available evidence is currently insufficient to determine the role of this variant in disease. Therefore, it has been classified as a Variant of Uncertain Significance.